The following is an entry in ClinVar:

ClinVar aggregate classification (germline): Pathogenic. Review status: criteria provided, multiple submitters, no conflicts (2 of 4 stars). 23 submissions from 23 submitters: Pathogenic (18). 5 of the submissions do not count toward it. Last evaluated 2026-04-10.

Conditions:
Inherited breast cancer and ovarian cancer.
RAD51C-related disorder. Also called: RAD51C-related condition; RAD51C-related disorders.
Breast-ovarian cancer, familial, susceptibility to, 3. Also called: RAD51C-Related Breast/Ovarian Cancer. Identifiers: Orphanet 145, MedGen C3150659, MONDO:0013253, OMIM 613399.
Fanconi anemia complementation group O. Also called: RAD51C-Related Fanconi Anemia. Identifiers: Orphanet 84, MedGen C3150653, MONDO:0013248, OMIM 613390.
Gastric cancer. Also called: Malignant tumor of stomach; Stomach cancer. Identifiers: MedGen C0024623, MeSH D013274, MONDO:0001056, OMIM 613659, HP:0012126.
Hereditary cancer-predisposing syndrome. Also called: Neoplastic Syndromes, Hereditary; Tumor predisposition; Hereditary neoplastic syndrome; Hereditary Cancer Syndrome. Identifiers: Orphanet 140162, MedGen C0027672, MeSH D009386, MONDO:0015356.
Hereditary breast ovarian cancer syndrome. Also called: Hereditary breast and/or ovarian cancer syndrome; Hereditary breast and ovarian cancer syndrome; Hereditary breast and ovarian cancer; Hereditary breast and ovarian cancer syndrome (HBOC); Breast and ovarian cancer; BRCA1- and BRCA2-Associated Hereditary Breast and Ovarian Cancer. Identifiers: Orphanet 145, MedGen C0677776, MeSH D061325, MONDO:0003582. Disease mechanism: loss of function.
Breast carcinoma. Also called: Carcinoma of breast. Identifiers: MedGen C0678222, MONDO:0004989, HP:0003002.

Allele frequency attached by ClinVar (database versions not stated): ExAC 0.00001; gnomAD 0.00001; gnomAD exomes 0.00001 and 0.00002; TOPMed 0.00001.
gnomAD v4.1: 12 of 1,604,734 alleles (0.00075%); highest among the groups gnomAD compares: East Asian, 0.0022%; no homozygotes.

Submissions 1 to 13 of 23:

Dasa
Classification: Pathogenic. Last evaluated: 2026-04-10. Review status: criteria provided, single submitter. Criteria: DASA Assertion Criteria. Collection method: clinical testing. Allele origin: germline.
Comment: NM_058216.3(RAD51C):c.709C>T (p.Arg237Ter) introduces a premature termination codon predicted to result in loss of normal protein function. Loss-of-function is an established mechanism of disease for this gene. This variant has been recurrently observed in individuals with related phenotype (PMID: 25086635; PMID: 27433846; PMID: 28024868; PMID: 31300551; PMID: 33008098). The variant is present at low frequency in population datasets. Based on the available data, this variant is classified as pathogenic.

NHS Central & South Genomic Laboratory Hub
Classification: Pathogenic for Inherited breast cancer and ovarian cancer. Last evaluated: 2026-02-26. Review status: criteria provided, single submitter. Criteria: ACMG Guidelines, 2015. Collection method: clinical testing. Allele origin: germline. Affected: yes.

PreventionGenetics, part of Exact Sciences
Classification: Pathogenic for RAD51C-related condition. Last evaluated: 2026-02-24. Review status: criteria provided, single submitter. Criteria: ACMG Guidelines, 2015. Collection method: clinical testing. Allele origin: germline.
Comment: The RAD51C c.709C>T variant is predicted to result in premature protein termination (p.Arg237*). This variant has been reported in multiple individuals with a history of prostate, gastric, and breast and/or ovarian cancers (Blanco et al. 2014. PubMed ID: 25086635; Table S2, Pritchard et al. 2016. PubMed ID: 27433846; Sahasrabudhe et al. 2017. PubMed ID: 28024868). This variant is reported in 0.0054% of alleles in individuals of East Asian descent in gnomAD and has been interpreted as pathogenic in the ClinVar database (Variation ID: 186364). Nonsense variants in RAD51C are expected to be pathogenic. This variant is interpreted as pathogenic.

Labcorp Genetics (formerly Invitae), Labcorp
Classification: Pathogenic for Fanconi anemia complementation group O. Last evaluated: 2026-02-04. Review status: criteria provided, single submitter. Criteria: Invitae Variant Classification Sherloc (09022015). Collection method: clinical testing. Allele origin: germline.
Comment: This sequence change creates a premature translational stop signal (p.Arg237*) in the RAD51C gene. It is expected to result in an absent or disrupted protein product. Loss-of-function variants in RAD51C are known to be pathogenic (PMID: 20400964, 21990120, 24800917, 29278735). This variant is present in population databases (rs770637624, gnomAD 0.006%). This premature translational stop signal has been observed in individual(s) with thyroid and ovarian cancer (PMID: 25086635). ClinVar contains an entry for this variant (Variation ID: 186364). For these reasons, this variant has been classified as Pathogenic.

Medical and Scientific Branch, Hong Kong Genome Institute
Classification: Pathogenic for Breast-ovarian cancer, familial, susceptibility to, 3. Last evaluated: 2026-01-26. Review status: criteria provided, single submitter. Criteria: ACMG Guidelines, 2015. Collection method: clinical testing. Allele origin: unknown. Affected: yes.

Color Diagnostics, LLC DBA Color Health
Classification: Pathogenic for Hereditary cancer-predisposing syndrome. Last evaluated: 2025-11-04. Review status: criteria provided, single submitter. Criteria: ACMG Guidelines, 2015. Collection method: clinical testing. Allele origin: germline.
Comment: This variant changes 1 nucleotide in exon 5 of the RAD51C gene, creating a premature translation stop signal. This variant is expected to result in an absent or non-functional protein product. This variant has been reported in individuals affected with ovarian cancer (PMID: 25086635, 30322717, 33008098) and breast cancer (PMID: 31300551, 35264596). This variant also has been detected in a breast cancer case-control meta-analysis in 2/60466 cases and absent in 53461 unaffected individuals (PMID: 33471991Leiden Open Variation Database DB-ID RAD51C_000056). This variant has been identified in 4/251374 chromosomes in the general population by the Genome Aggregation Database (gnomAD). Loss of RAD51C function is a known mechanism of disease. Based on the available evidence, this variant is classified as Pathogenic.

Ambry Genetics
Classification: Pathogenic for Hereditary cancer-predisposing syndrome. Last evaluated: 2025-06-12. Review status: criteria provided, single submitter. Criteria: Ambry Variant Classification Scheme 2023. Collection method: clinical testing. Allele origin: germline.
Comment: The p.R237* pathogenic mutation (also known as c.709C>T), located in coding exon 5 of the RAD51C gene, results from a C to T substitution at nucleotide position 709. This changes the amino acid from an arginine to a stop codon within coding exon 5. This mutation has been observed in Spanish hereditary breast and/or ovarian cancer families (Blanco A et al. Breast Cancer Res. Treat. 2014 Aug;147:133-43; Tavera-Tapia A et al. Breast Cancer Res. Treat. 2017 02;161:597-604). It was also reported in a study of 4439 patients with ovarian cancer (Carter NJ et al. Gynecol. Oncol. 2018 12;151:481-488). In a study of men with metastatic prostate cancer, who were unselected for family history of cancer or age at diagnosis, this alteration was identified in 1/692 men (Pritchard CC et al. N. Engl. J. Med. 2016 Aug;375:443-53). In addition to the clinical data presented in the literature, this alteration is expected to result in loss of function by premature protein truncation or nonsense-mediated mRNA decay. As such, this alteration is interpreted as a disease-causing mutation.

Quest Diagnostics Nichols Institute San Juan Capistrano
Classification: Pathogenic. Last evaluated: 2025-03-14. Review status: criteria provided, single submitter. Criteria: Quest Diagnostics criteria. Collection method: clinical testing. Allele origin: unknown.
Comment: The RAD51C c.709C>T (p.Arg237*) variant causes the premature termination of RAD51C protein synthesis. This variant has been reported in the published literature in numerous patients, notably, in individuals with breast cancer (PMIDs: 35264596 (2022), 35155181 (2021), 31300551 (2020)), including in a large scale breast cancer association study (PMID: 33471991 (2021), see also LOVD), as well as in individuals with ovarian cancer (PMIDs: 38915363 (2024), 30322717 (2018), 25086635 (2014)), prostate cancer (PMIDs: 36451132 (2022)) 27433846 (2016)), pancreatic cancer (PMID: 39256447 (2024)), and diffuse gastric cancer (PMID: 28024868 (2017)). The frequency of this variant in the general population (Genome Aggregation Database) is consistent with pathogenicity. Based on the available information, this variant is classified as pathogenic.

Center for Genomic Medicine, Rigshospitalet, Copenhagen University Hospital
Classification: Pathogenic. Last evaluated: 2025-03-04. Review status: criteria provided, single submitter. Criteria: ACMG Guidelines, 2015. Collection method: clinical testing. Allele origin: germline.

Baylor Genetics
Classification: Pathogenic for Breast-ovarian cancer, familial, susceptibility to, 3. Last evaluated: 2024-03-29. Review status: criteria provided, single submitter. Criteria: ACMG Guidelines, 2015. Collection method: clinical testing. Allele origin: unknown.

GeneDx
Classification: Pathogenic. Last evaluated: 2024-02-11. Review status: criteria provided, single submitter. Criteria: GeneDx Variant Classification Process June 2021. Collection method: clinical testing. Allele origin: germline. Affected: yes.
Comment: Nonsense variant predicted to result in protein truncation or nonsense mediated decay in a gene for which loss-of-function is a known mechanism of disease; Not observed at significant frequency in large population cohorts (gnomAD); This variant is associated with the following publications: (PMID: 25086635, 27433846, 28024868, 27913932, 27806231, 30151275, 31589614, 31300551, 30322717, 36232793, 31784482, 32659967, 28888541, 35264596, 36988593, 29625052, 29922827, 33047316, 35534704, 36451132)

Myriad Genetics, Inc.
Classification: Pathogenic for Breast-ovarian cancer, familial, susceptibility to, 3. Last evaluated: 2023-04-05. Review status: criteria provided, single submitter. Criteria: Myriad Autosomal Dominant, Autosomal Recessive and X-Linked Classification Criteria (2023). Collection method: clinical testing. Allele origin: unknown.
Comment: This variant is considered pathogenic. This variant creates a termination codon and is predicted to result in premature protein truncation.

Fulgent Genetics
Classification: Pathogenic for Fanconi anemia complementation group O; Breast-ovarian cancer, familial, susceptibility to, 3. Last evaluated: 2022-04-30. Review status: criteria provided, single submitter. Criteria: ACMG Guidelines, 2015. Collection method: clinical testing. Allele origin: unknown.

NM_058216.3(RAD51C):c.709C>T (p.Arg237Ter)

Gene: RAD51C (RAD51 paralog C; plus strand). Cytogenetic location: 17q22.
Variant type: single nucleotide variant.
Coding change: c.709C>T on transcript NM_058216.3 (MANE Select); coding-DNA position 709, C replaced by T.
Protein change: p.Arg237Ter; replaces arginine 237 with a stop codon.
Molecular consequence: nonsense. On other transcripts: non-coding transcript variant (1).
Genome position (GRCh38, 1-based): chr17:58,709,862, C>T. VCF-style: chr17-58709862-C-T. GRCh37 (hg19) VCF-style: chr17-56787223-C-T.
Other names: short protein forms R237*.
Identifiers: ClinVar variation 186364 (VCV000186364.64), dbSNP rs770637624, ClinGen allele CA194618.